The following is an entry in ClinVar:

ClinVar aggregate classification (germline): Uncertain significance. Review status: criteria provided, multiple submitters, no conflicts (2 of 4 stars). 5 submissions from 5 submitters: Uncertain significance (4). 1 of the submissions does not count toward it. Last evaluated 2025-01-06.

Conditions:
Cardiovascular phenotype. Identifiers: MedGen CN230736.
Hypertrophic cardiomyopathy 1 (CMH1). Also called: Familial hypertrophic cardiomyopathy 1; MYH7-Related Familial Hypertrophic Cardiomyopathy. Identifiers: MedGen C3495498, MONDO:0008647, OMIM 192600.
Myosin storage myopathy (CMYO7A). Also called: SCAPULOPERONEAL MUSCULAR DYSTROPHY; SCAPULOPERONEAL SYNDROME, MYOPATHIC TYPE; MYOPATHY WITH LYSIS OF TYPE I MYOFIBRILS; MYOPATHY, HYALINE BODY, AUTOSOMAL DOMINANT; MYH7-related late-onset scapuloperoneal muscular dystrophy; Congenital myopathy 7A, myosin storage, autosomal dominant. Identifiers: Orphanet 437572, Orphanet 636965, MedGen C1842160, MONDO:0008409, OMIM 608358.
Congenital myopathy with fiber type disproportion. Also called: Congenital fiber-type disproportion; Congenital fiber-type disproportion myopathy. Identifiers: Orphanet 2020, MedGen C0546264, MONDO:0009711. Inheritance: all.
MYH7-related skeletal myopathy. Also called: Laing early-onset distal myopathy; Myopathy, distal, 1; MYOPATHY, DISTAL, EARLY-ONSET, AUTOSOMAL DOMINANT; MYOPATHY, LATE DISTAL HEREDITARY; Laing distal myopathy. Identifiers: Orphanet 59135, MedGen C4552004, MONDO:0008050, OMIM 160500.
Dilated cardiomyopathy 1S (CMD1S). Identifiers: Orphanet 154, Orphanet 54260, MedGen C1834481, MONDO:0013262, OMIM 613426.
Myopathy, myosin storage, autosomal recessive (CMYO7B). Also called: CONGENITAL MYOPATHY 7B, MYOSIN STORAGE, AUTOSOMAL RECESSIVE. Identifiers: Orphanet 636970, MedGen C1850709, MONDO:0009708, OMIM 255160.
Hypertrophic cardiomyopathy. Also called: HYPERTROPHIC MYOCARDIOPATHY. Identifiers: Orphanet 217569, MedGen C0007194, MeSH D002312, MONDO:0005045, HP:0001639.

Allele frequency attached by ClinVar (database versions not stated): gnomAD exomes below 0.00001; TOPMed below 0.00001; gnomAD 0.00001.

Submissions (5):

Ambry Genetics
Classification: Uncertain significance for Cardiovascular phenotype. Last evaluated: 2025-01-06. Review status: criteria provided, single submitter. Criteria: Ambry Variant Classification Scheme 2023. Collection method: clinical testing. Allele origin: germline.
Comment: The p.G354S variant (also known as c.1060G>A), located in coding exon 10 of the MYH7 gene, results from a G to A substitution at nucleotide position 1060. The glycine at codon 354 is replaced by serine, an amino acid with similar properties. This variant has been detected in individuals with hypertrophic cardiomyopathy (HCM); however, clinical details were limited in some cases (Alfares AA et al. Genet. Med., 2015 Nov;17:880-8; Ambry internal data). This variant has also been reported in an exome cohort (Kurzlechner LM et al. J Pers Med, 2022 Apr;12:). This amino acid position is highly conserved in available vertebrate species. In addition, this alteration is predicted to be deleterious by in silico analysis. Since supporting evidence is limited at this time, the clinical significance of this alteration remains unclear.

Labcorp Genetics (formerly Invitae), Labcorp
Classification: Uncertain significance for Hypertrophic cardiomyopathy. Last evaluated: 2024-08-14. Review status: criteria provided, single submitter. Criteria: Invitae Variant Classification Sherloc (09022015). Collection method: clinical testing. Allele origin: germline.
Comment: This sequence change replaces glycine, which is neutral and non-polar, with serine, which is neutral and polar, at codon 354 of the MYH7 protein (p.Gly354Ser). This variant is present in population databases (rs727503270, gnomAD 0.002%). This missense change has been observed in individual(s) with dilated cardiomyopathy and/or hypertrophic cardiomyopathy or referred for genetic testing (PMID: 25611685, 27532257, 37652022; internal data). ClinVar contains an entry for this variant (Variation ID: 164380). Invitae Evidence Modeling of protein sequence and biophysical properties (such as structural, functional, and spatial information, amino acid conservation, physicochemical variation, residue mobility, and thermodynamic stability) indicates that this missense variant is expected to disrupt MYH7 protein function with a positive predictive value of 95%. This variant is found within a region of MYH7 between codons 181 and 937 that contains the majority of the myosin head domain. Missense variants in this region have been shown to be significantly overrepresented in individuals with hypertrophic cardiomyopathy (PMID: 27532257). In summary, the available evidence is currently insufficient to determine the role of this variant in disease. Therefore, it has been classified as a Variant of Uncertain Significance.

AiLife Diagnostics
Classification: Uncertain significance. Last evaluated: 2021-11-21. Review status: criteria provided, single submitter. Criteria: ACMG Guidelines, 2015. Collection method: clinical testing. Allele origin: germline. Affected: yes. Observed: 1 variant allele.

Fulgent Genetics
Classification: Uncertain significance for MYH7-related skeletal myopathy; Myosin storage myopathy; Hypertrophic cardiomyopathy 1; Myopathy, myosin storage, autosomal recessive; Congenital myopathy 4A, autosomal dominant; Dilated cardiomyopathy 1S. Last evaluated: 2021-08-20. Review status: criteria provided, single submitter. Criteria: ACMG Guidelines, 2015. Collection method: clinical testing. Allele origin: unknown.

Laboratory for Molecular Medicine, Mass General Brigham Personalized Medicine
Classification: Uncertain significance. Last evaluated: 2014-03-07. Review status: no assertion criteria provided. Collection method: clinical testing. Allele origin: germline. Observed: 1 variant allele. Not counted in ClinVar's aggregate classification.
Comment: proposed classification - variant undergoing re-assessment, contact laboratory

Literature cited by the submitters: PubMed 25611685 (cited by 3 submitters); PubMed 27532257 (cited by 3 submitters); PubMed 30696458 (cited by Ambry Genetics); PubMed 33495597 (cited by Ambry Genetics); PubMed 35629155 (cited by Ambry Genetics); PubMed 37652022 (cited by Labcorp Genetics (formerly Invitae), Labcorp).

NM_000257.4(MYH7):c.1060G>A (p.Gly354Ser)

Gene: MYH7 (myosin heavy chain 7; minus strand). Cytogenetic location: 14q11.2.
Variant type: single nucleotide variant.
Coding change: c.1060G>A on transcript NM_000257.4 (MANE Select); coding-DNA position 1060, G replaced by A.
Protein change: p.Gly354Ser; replaces glycine 354 with serine.
Molecular consequence: missense variant.
Genome position (GRCh38, 1-based): chr14:23,429,853, C>T on the plus strand (G>A on the coding strand, the complement: MYH7 is on the minus strand). VCF-style: chr14-23429853-C-T. GRCh37 (hg19) VCF-style: chr14-23899062-C-T.
Other names: short protein forms G354S.
Identifiers: ClinVar variation 164380 (VCV000164380.15), dbSNP rs727503270, ClinGen allele CA010116.